The following is an entry in ClinVar:

NM_024426.6(WT1):c.1059C>T (p.Ile353=)

Gene: WT1 (WT1 transcription factor; minus strand). Cytogenetic location: 11p13.
Variant type: single nucleotide variant.
Coding change: c.1059C>T on transcript NM_024426.6 (MANE Select); coding-DNA position 1059, C replaced by T.
Protein change: p.Ile353=; no amino-acid change (isoleucine 353 retained).
Molecular consequence: synonymous variant. On other transcripts: 5 prime UTR variant (1), non-coding transcript variant (2).
Genome position (GRCh38, 1-based): chr11:32,400,002, G>A on the plus strand (C>T on the coding strand, the complement: WT1 is on the minus strand). VCF-style: chr11-32400002-G-A. GRCh37 (hg19) VCF-style: chr11-32421548-G-A.
Other names: c.1008C>T, p.Ile336= (NM_000378.6, NM_001407045.1, NM_001407048.1 and 1 more transcripts); c.408C>T, p.Ile136= (NM_001198551.2); c.357C>T, p.Ile119= (NM_001198552.2); c.-130C>T (NM_001367854.1); c.1053C>T, p.Ile351= (NM_001407044.1); c.1059C>T, p.Ile353= (NM_001407046.1, NM_024424.5); c.936C>T, p.Ile312= (NM_001407047.1); c.885C>T, p.Ile295= (NM_001407050.1); and 2 more.
Identifiers: ClinVar variation 290725 (VCV000290725.20), dbSNP rs527655625, ClinGen allele CA064082.

ClinVar aggregate classification (germline): Conflicting classifications of pathogenicity. Review status: criteria provided, conflicting classifications (1 of 4 stars). 6 submissions from 6 submitters: Uncertain significance (1); Likely benign (5). Last evaluated 2026-09-01.

Conditions:
Inborn genetic diseases. Identifiers: MedGen C0950123, MeSH D030342.
Wilms tumor 1 (WT1). Also called: Wilms tumor, somatic. Identifiers: Orphanet 654, MedGen CN033288, MONDO:0008679, OMIM 194070.
11p partial monosomy syndrome (WAGR). Also called: WAGR Complex; CHROMOSOME 11p13 DELETION SYNDROME; WAGR syndrome; WAGR Spectrum Disorder. Identifiers: Orphanet 893, MedGen C0206115, MONDO:0008681, OMIM 194072.
Frasier syndrome. Identifiers: Orphanet 347, MedGen C0950122, MeSH D052159, MONDO:0007635, OMIM 136680.
Drash syndrome (DDS). Also called: NEPHROPATHY, WILMS TUMOR, AND GENITAL ANOMALIES; WILMS TUMOR AND PSEUDO- OR TRUE HERMAPHRODITISM. Identifiers: Orphanet 220, MedGen C0950121, MONDO:0008682, OMIM 194080.

Allele frequency attached by ClinVar (database versions not stated): gnomAD exomes 0.00005 and 0.00006; TOPMed 0.00007; 1000 Genomes Project 30x 0.00016; 1000 Genomes Project 0.00020; ExAC 0.00002; gnomAD 0.00005.
gnomAD v4.1: 90 of 1,614,248 alleles (0.0056%); highest among the groups gnomAD compares: Admixed American, 0.022%; no homozygotes.

Submissions (6):

CeGaT Center for Human Genetics Tuebingen
Classification: Likely benign. Last evaluated: 2026-09-01. Review status: criteria provided, single submitter. Criteria: CeGaT Center For Human Genetics Tuebingen Variant Classification Criteria Version 2. Collection method: clinical testing. Allele origin: germline. Affected: yes. Observed: 1 variant allele.
Comment: WT1: BP4, BP7

Labcorp Genetics (formerly Invitae), Labcorp
Classification: Likely benign for Wilms tumor 1; Drash syndrome; 11p partial monosomy syndrome; Frasier syndrome. Last evaluated: 2025-11-19. Review status: criteria provided, single submitter. Criteria: Invitae Variant Classification Sherloc (09022015). Collection method: clinical testing. Allele origin: germline.

Ambry Genetics
Classification: Likely benign for Inborn genetic diseases. Last evaluated: 2024-08-21. Review status: criteria provided, single submitter. Criteria: Ambry Variant Classification Scheme 2023. Collection method: clinical testing. Allele origin: germline.

Blueprint Genetics
Classification: Likely benign. Last evaluated: 2023-05-09. Review status: criteria provided, single submitter. Criteria: ACMG Guidelines, 2015. Collection method: clinical testing. Allele origin: germline.

Color Diagnostics, LLC DBA Color Health
Classification: Likely benign for Wilms tumor 1. Last evaluated: 2022-12-19. Review status: criteria provided, single submitter. Criteria: ACMG Guidelines, 2015. Collection method: clinical testing. Allele origin: germline.

Eurofins Ntd Llc (ga)
Classification: Uncertain significance. Last evaluated: 2016-09-14. Review status: criteria provided, single submitter. Criteria: EGL Classification Definitions 2015. Collection method: clinical testing. Allele origin: germline. Observed: 1 variant allele, 1 heterozygote.